The following is an entry in ClinVar:

NM_001018005.2(TPM1):c.710C>G (p.Thr237Ser)

Gene: TPM1 (tropomyosin 1; plus strand). Cytogenetic location: 15q22.2.
Variant type: single nucleotide variant.
Coding change: c.710C>G on transcript NM_001018005.2 (MANE Select); coding-DNA position 710, C replaced by G.
Protein change: p.Thr237Ser; replaces threonine 237 with serine.
Molecular consequence: missense variant.
Genome position (GRCh38, 1-based): chr15:63,062,583, C>G. VCF-style: chr15-63062583-C-G. GRCh37 (hg19) VCF-style: chr15-63354782-C-G.
Other names: c.710C>G, p.Thr237Ser (NM_000366.6, NM_001018004.2, NM_001018006.2 and 6 more transcripts); c.602C>G, p.Thr201Ser (NM_001018008.2, NM_001301289.2, NM_001330344.2 and 5 more transcripts); c.836C>G, p.Thr279Ser (NM_001365778.1); short protein forms T201S, T237S, T279S.
Identifiers: ClinVar variation 1067773 (VCV001067773.9), dbSNP rs2140974070, ClinGen allele CA392724554.
Genomic context (GRCh38, chr15:63,062,583, plus strand): 5'-TAGCTACAGGAAACATAAAACTTCCCAACTTTAACTCAAATAAATCATTACAGGCTGAGA[C>G]TCGGGCTGAGTTTGCGGAGAGGTCAGTAACTAAATTGGAGAAAAGCATTGATGACTTAGA-3'
Protein context (NP_001018005.1, residues 227-247): VLSDKLKEAE[Thr237Ser]RAEFAERSVT

ClinVar aggregate classification (germline): Pathogenic (1 of 4 stars; one submission).

Conditions:
Hypertrophic cardiomyopathy. Also called: HYPERTROPHIC MYOCARDIOPATHY. Identifiers: Orphanet 217569, MedGen C0007194, MeSH D002312, MONDO:0005045, HP:0001639.

Submission:

Labcorp Genetics (formerly Invitae), Labcorp
Classification: Pathogenic for Hypertrophic cardiomyopathy. Last evaluated: 2024-06-17. Review status: criteria provided, single submitter. Criteria: Invitae Variant Classification Sherloc (09022015). Collection method: clinical testing. Allele origin: germline.
Comment: This sequence change replaces threonine, which is neutral and polar, with serine, which is neutral and polar, at codon 237 of the TPM1 protein (p.Thr237Ser). This variant is not present in population databases (gnomAD no frequency). This missense change has been observed in individual(s) with dilated cardiomyopathy (PMID: 36739943; Invitae). In at least one individual the variant was observed to be de novo. ClinVar contains an entry for this variant (Variation ID: 1067773). An algorithm developed to predict the effect of missense changes on protein structure and function (PolyPhen-2) suggests that this variant is likely to be disruptive. Experimental studies have shown that this missense change affects TPM1 function (PMID: 36739943). For these reasons, this variant has been classified as Pathogenic.

Literature cited by the submitters: PubMed 36739943.